The following is an entry in ClinVar:

ClinVar aggregate classification (germline): Likely benign (1 of 4 stars; one submission).

Allele frequency attached by ClinVar (database versions not stated): 1000 Genomes Project 0.00020; 1000 Genomes Project 30x 0.00047; TOPMed 0.00281; gnomAD 0.00438; ESP Exome Variant Server 0.00446; gnomAD exomes 0.00489; ExAC 0.00527.

Submission:

CeGaT Center for Human Genetics Tuebingen
Classification: Likely benign. Last evaluated: 2023-03-01. Review status: criteria provided, single submitter. Criteria: CeGaT Center For Human Genetics Tuebingen Variant Classification Criteria Version 2. Collection method: clinical testing. Allele origin: germline. Affected: yes. Observed: 1 variant allele.
Comment: LRRN1: BP4, BP7, BS2

NM_020873.7(LRRN1):c.984C>T (p.Ile328=)

Gene: LRRN1 (leucine rich repeat neuronal 1; plus strand). Cytogenetic location: 3p26.2.
Variant type: single nucleotide variant.
Coding change: c.984C>T on transcript NM_020873.7 (MANE Select); coding-DNA position 984, C replaced by T.
Protein change: p.Ile328=; no amino-acid change (isoleucine 328 retained).
Molecular consequence: synonymous variant.
Genome position (GRCh38, 1-based): chr3:3,845,625, C>T. VCF-style: chr3-3845625-C-T. GRCh37 (hg19) VCF-style: chr3-3887309-C-T.
Other names: c.984C>T, p.Ile328= (NM_001324188.2, NM_001324189.2).
Identifiers: ClinVar variation 2653446 (VCV002653446.24), dbSNP rs142045330, ClinGen allele CA2229655.